The following is an entry in ClinVar:

NM_001145809.2(MYH14):c.275C>T (p.Pro92Leu)

Gene: MYH14 (myosin heavy chain 14; plus strand). Cytogenetic location: 19q13.33.
Variant type: single nucleotide variant.
Coding change: c.275C>T on transcript NM_001145809.2 (MANE Select); coding-DNA position 275, C replaced by T.
Protein change: p.Pro92Leu; replaces proline 92 with leucine.
Molecular consequence: missense variant.
Genome position (GRCh38, 1-based): chr19:50,210,640, C>T. VCF-style: chr19-50210640-C-T. GRCh37 (hg19) VCF-style: chr19-50713897-C-T.
Other names: c.275C>T, p.Pro92Leu (NM_001077186.2, NM_024729.4); short protein forms P92L.
Identifiers: ClinVar variation 2799544 (VCV002799544.3), dbSNP rs759537521, ClinGen allele CA9592219.
Genomic context (GRCh38, chr19:50,210,640, plus strand): 5'-ACGAAGGCGAGGAGGAGGCGGAGGTGGAGCTGGCGGAGAGCGGGAGGCGGCTGCGACTGC[C>T]GCGGGACCAGATCCAGCGCATGAACCCGCCCAAGTTCAGCAAGGCCGAGGACATGGCCGA-3'
Protein context (NP_001139281.1, residues 82-102): LAESGRRLRL[Pro92Leu]RDQIQRMNPP

ClinVar aggregate classification (germline): Uncertain significance (1 of 4 stars; one submission).

Allele frequency attached by ClinVar (database versions not stated): TOPMed 0.00001; ExAC 0.00004.
gnomAD v4.1: 10 of 1,570,512 alleles (0.00064%); highest among the groups gnomAD compares: East Asian, 0.0071%; no homozygotes.

Submission:

Labcorp Genetics (formerly Invitae), Labcorp
Classification: Uncertain significance. Last evaluated: 2024-04-30. Review status: criteria provided, single submitter. Criteria: Invitae Variant Classification Sherloc (09022015). Collection method: clinical testing. Allele origin: germline.
Comment: This sequence change replaces proline, which is neutral and non-polar, with leucine, which is neutral and non-polar, at codon 92 of the MYH14 protein (p.Pro92Leu). This variant is present in population databases (rs759537521, gnomAD 0.008%). This variant has not been reported in the literature in individuals affected with MYH14-related conditions. Advanced modeling of protein sequence and biophysical properties (such as structural, functional, and spatial information, amino acid conservation, physicochemical variation, residue mobility, and thermodynamic stability) performed at Invitae indicates that this missense variant is not expected to disrupt MYH14 protein function with a negative predictive value of 80%. In summary, the available evidence is currently insufficient to determine the role of this variant in disease. Therefore, it has been classified as a Variant of Uncertain Significance.